The following is an entry in ClinVar:

NM_032492.4(JAGN1):c.419T>G (p.Phe140Cys)

Gene: JAGN1 (jagunal vesicle mediated transporter 1; plus strand). Cytogenetic location: 3p25.3.
Variant type: single nucleotide variant.
Coding change: c.419T>G on transcript NM_032492.4 (MANE Select); coding-DNA position 419, T replaced by G.
Protein change: p.Phe140Cys; replaces phenylalanine 140 with cysteine.
Molecular consequence: missense variant.
Genome position (GRCh38, 1-based): chr3:9,893,244, T>G. VCF-style: chr3-9893244-T-G. GRCh37 (hg19) VCF-style: chr3-9934928-T-G.
Other names: c.257T>G, p.Phe86Cys (NM_001363890.1); short protein forms F140C, F86C.
Identifiers: ClinVar variation 2041996 (VCV002041996.4), dbSNP rs1461879862, ClinGen allele CA351716520.

ClinVar aggregate classification (germline): Uncertain significance (1 of 4 stars; one submission).

Conditions:
Autosomal recessive severe congenital neutropenia due to JAGN1 deficiency. Also called: Severe congenital neutropenia 6, autosomal recessive. Identifiers: Orphanet 423384, MedGen C4014954, MONDO:0014456, OMIM 616022.

Submission:

Labcorp Genetics (formerly Invitae), Labcorp
Classification: Uncertain significance for Autosomal recessive severe congenital neutropenia due to JAGN1 deficiency. Last evaluated: 2023-10-03. Review status: criteria provided, single submitter. Criteria: Invitae Variant Classification Sherloc (09022015). Collection method: clinical testing. Allele origin: germline.
Comment: This sequence change replaces phenylalanine, which is neutral and non-polar, with cysteine, which is neutral and slightly polar, at codon 140 of the JAGN1 protein (p.Phe140Cys). This variant is present in population databases (no rsID available, gnomAD 0.0009%). This variant has not been reported in the literature in individuals affected with JAGN1-related conditions. ClinVar contains an entry for this variant (Variation ID: 2041996). An algorithm developed to predict the effect of missense changes on protein structure and function (PolyPhen-2) suggests that this variant is likely to be disruptive. In summary, the available evidence is currently insufficient to determine the role of this variant in disease. Therefore, it has been classified as a Variant of Uncertain Significance.